The following is an entry in ClinVar:

ClinVar aggregate classification (germline): Pathogenic. Review status: reviewed by expert panel (3 of 4 stars). 8 submissions from 8 submitters: Pathogenic (1). 7 of the submissions do not count toward it. Last evaluated 2013-09-05.

Conditions:
Hereditary nonpolyposis colorectal neoplasms. Identifiers: MedGen C0009405, MeSH D003123.
Hereditary cancer-predisposing syndrome. Also called: Hereditary Cancer Syndrome; Hereditary neoplastic syndrome; Neoplastic Syndromes, Hereditary; Tumor predisposition. Identifiers: Orphanet 140162, MedGen C0027672, MeSH D009386, MONDO:0015356.
Lynch syndrome. Identifiers: Orphanet 144, MedGen C4552100, MONDO:0005835. Disease mechanism: loss of function.
Lynch syndrome 5 (LYNCH5). Also called: Hereditary non-polyposis colorectal cancer, type 5; Colorectal cancer, hereditary nonpolyposis, type 5. Identifiers: Orphanet 144, MedGen C1833477, MONDO:0013710, OMIM 614350. Disease mechanism: loss of function.
Endometrial carcinoma. Also called: Endometrial carcinoma, somatic. Identifiers: MedGen C0476089, MONDO:0002447, OMIM 608089, HP:0012114.

Submissions (8):

International Society for Gastrointestinal Hereditary Tumours (InSiGHT)
Classification: Pathogenic for Lynch Syndrome. Last evaluated: 2013-09-05. Review status: reviewed by expert panel. Criteria: Guidelines v1.9. Collection method: research. Allele origin: germline.
Comment: Coding sequence variation resulting in a stop codon

Classified with v1.9 guidelines

Ambry Genetics
Classification: Pathogenic for Hereditary cancer-predisposing syndrome. Last evaluated: 2025-12-22. Review status: criteria provided, single submitter. Criteria: Ambry Variant Classification Scheme 2023. Collection method: clinical testing. Allele origin: germline. Not counted in ClinVar's aggregate classification.
Comment: The c.2348_2349delGT pathogenic mutation, located in coding exon 4 of the MSH6 gene, results from a deletion of two nucleotides at nucleotide positions 2348 to 2349, causing a translational frameshift with a predicted alternate stop codon (p.C783*). This variant is considered to be rare based on population cohorts in the Genome Aggregation Database (gnomAD). This alteration is expected to result in loss of function by premature protein truncation or nonsense-mediated mRNA decay. As such, this alteration is interpreted as a disease-causing mutation.

Labcorp Genetics (formerly Invitae), Labcorp
Classification: Pathogenic for Hereditary nonpolyposis colorectal neoplasms. Last evaluated: 2025-11-17. Review status: criteria provided, single submitter. Criteria: Invitae Variant Classification Sherloc (09022015). Collection method: clinical testing. Allele origin: germline. Not counted in ClinVar's aggregate classification.
Comment: This sequence change creates a premature translational stop signal (p.Cys783*) in the MSH6 gene. It is expected to result in an absent or disrupted protein product. Loss-of-function variants in MSH6 are known to be pathogenic (PMID: 18269114, 24362816). This variant is not present in population databases (gnomAD no frequency). This premature translational stop signal has been observed in individual(s) with colon cancer (PMID: 18301448, 20487569). ClinVar contains an entry for this variant (Variation ID: 89274). For these reasons, this variant has been classified as Pathogenic.

GeneDx
Classification: Pathogenic. Last evaluated: 2025-03-26. Review status: criteria provided, single submitter. Criteria: GeneDx Variant Classification Process June 2021. Collection method: clinical testing. Allele origin: germline. Affected: yes. Not counted in ClinVar's aggregate classification.
Comment: Nonsense variant predicted to result in protein truncation or nonsense mediated decay in a gene for which loss of function is a known mechanism of disease; Not observed at significant frequency in large population cohorts (gnomAD); Truncating variants in this gene are considered pathogenic by a well-established clinical consortium and/or database; This variant is associated with the following publications: (PMID: 18301448, 20487569, 30787465, 34178123)

Myriad Genetics, Inc.
Classification: Pathogenic for Lynch syndrome 5. Last evaluated: 2023-08-17. Review status: criteria provided, single submitter. Criteria: Myriad Autosomal Dominant, Autosomal Recessive and X-Linked Classification Criteria (2023). Collection method: clinical testing. Allele origin: unknown. Not counted in ClinVar's aggregate classification.
Comment: This variant is considered pathogenic. This variant creates a termination codon and is predicted to result in premature protein truncation.

Baylor Genetics
Classification: Pathogenic for Endometrial carcinoma. Last evaluated: 2021-07-31. Review status: criteria provided, single submitter. Criteria: ACMG Guidelines, 2015. Collection method: clinical testing. Allele origin: unknown. Not counted in ClinVar's aggregate classification.

CZECANCA consortium
Classification: Pathogenic for Endometrial carcinoma. Last evaluated: 2023-02-21. Review status: no assertion criteria provided. Collection method: clinical testing. Allele origin: germline. Affected: yes. Observed: 1 variant allele. Not counted in ClinVar's aggregate classification.

Department of Pathology and Laboratory Medicine, Sinai Health System
Classification: Pathogenic for Endometrial carcinoma. Review status: no assertion criteria provided. Collection method: clinical testing. Allele origin: unknown. Affected: yes. Observed: 2 variant alleles. Study: The Canadian Open Genetics Repository (COGR). Not counted in ClinVar's aggregate classification.
Comment: The MSH6 p.Cys783X variant was identified in individuals with HNPCC although no frequency data was provided (Steinke 2008, Talseth-Palmer 2010). The variant was also identified in dbSNP (ID: rs267608065) â€šÃ„ÃºWith pathogenic alleleâ€šÃ„Ã¹, the Clinvitae database as pathogenic, InSiGHT Colon Cancer Gene Variant Database as pathogenic, the ClinVar database (classified as a pathogenic variant and reviewed by an expert panel). The p.Cys783X variant leads to a premature stop codon at position 783, which is predicted to lead to a truncated or absent protein and loss of function. Loss of function variants of the MSH6 gene are an established mechanism of disease in Lynch syndrome and this is the type of variant expected to cause the disorder. In summary, based on the above information, this variant meets our laboratoryâ€šÃ„Ã´s criteria to be classified as pathogenic.

Literature cited by the submitters: PubMed 18301448 (cited by Ambry Genetics and Labcorp Genetics (formerly Invitae), Labcorp); PubMed 20487569 (cited by Ambry Genetics and Labcorp Genetics (formerly Invitae), Labcorp); PubMed 18269114 (cited by Labcorp Genetics (formerly Invitae), Labcorp); PubMed 24362816 (cited by Labcorp Genetics (formerly Invitae), Labcorp).

NM_000179.3(MSH6):c.2348_2349del (p.Leu782_Cys783insTer)

Gene: MSH6 (mutS homolog 6; plus strand). Cytogenetic location: 2p16.3.
Variant type: Deletion.
Coding change: c.2348_2349del on transcript NM_000179.3 (MANE Select); coding-DNA positions 2348 to 2349, 2 bases deleted (GT; older notation c.2348_2349delGT).
Protein change: p.Leu782_Cys783insTer.
Molecular consequence: nonsense.
Genome position (GRCh38, 1-based): chr2:47,800,331-47,800,332, GT deleted; deleting any 2 consecutive bases within chr2:47,800,330-47,800,332 gives the same sequence; the c. name uses the placement nearest the transcript's 3' end. VCF-style (leftmost placement, unchanged base first): chr2-47800329-CTG-C. GRCh37 (hg19) VCF-style: chr2-48027468-CTG-C.
Other names: c.2348_2349delGT (NM_000179.2); c.1958_1959del, p.Leu652_Cys653insTer (NM_001281492.2); c.1442_1443del, p.Leu480_Cys481insTer (NM_001281493.2, NM_001281494.2).
Identifiers: ClinVar variation 89274 (VCV000089274.18), dbSNP rs267608065, ClinGen allele CA010095.